The following is an entry in ClinVar:

NM_000180.4(GUCY2D):c.2359T>G (p.Cys787Gly)

Gene: GUCY2D (guanylate cyclase 2D, retinal; plus strand). Cytogenetic location: 17p13.1.
Variant type: single nucleotide variant.
Coding change: c.2359T>G on transcript NM_000180.4 (MANE Select); coding-DNA position 2359, T replaced by G.
Protein change: p.Cys787Gly; replaces cysteine 787 with glycine.
Molecular consequence: missense variant.
Genome position (GRCh38, 1-based): chr17:8,013,975, T>G. VCF-style: chr17-8013975-T-G. GRCh37 (hg19) VCF-style: chr17-7917293-T-G.
Other names: short protein forms C787G.
Identifiers: ClinVar variation 1047775 (VCV001047775.8), dbSNP rs368958527, ClinGen allele CA8366096.

ClinVar aggregate classification (germline): Uncertain significance. Review status: criteria provided, multiple submitters, no conflicts (2 of 4 stars). 2 submissions from 2 submitters: Uncertain significance (2). Last evaluated 2025-09-16.

Conditions:
Leber congenital amaurosis 1 (LCA1). Also called: Congenital absence of the rods and cones; Leber's congenital tapetoretinal degeneration; Leber's congenital tapetoretinal dysplasia; RETINAL BLINDNESS, CONGENITAL; AMAUROSIS CONGENITA OF LEBER I. Identifiers: Orphanet 65, MedGen C2931258, MONDO:0008764, OMIM 204000.
Cone-rod dystrophy 6 (CORD6). Also called: RETINAL CONE DYSTROPHY 2; Cone dystrophy progressive. Identifiers: Orphanet 1872, MedGen C1866293, MONDO:0011143, OMIM 601777.

Allele frequency attached by ClinVar (database versions not stated): gnomAD 0.00001; ExAC 0.00002; gnomAD exomes 0.00002; TOPMed 0.00002; ESP Exome Variant Server 0.00008.
gnomAD v4.1: 27 of 1,613,728 alleles (0.0017%); highest among the groups gnomAD compares: Non-Finnish European, 0.0021%; no homozygotes.

Submissions (2):

Labcorp Genetics (formerly Invitae), Labcorp
Classification: Uncertain significance for Leber congenital amaurosis 1; Cone-rod dystrophy 6. Last evaluated: 2025-09-16. Review status: criteria provided, single submitter. Criteria: Invitae Variant Classification Sherloc (09022015). Collection method: clinical testing. Allele origin: germline.
Comment: This sequence change replaces cysteine, which is neutral and slightly polar, with glycine, which is neutral and non-polar, at codon 787 of the GUCY2D protein (p.Cys787Gly). This variant is present in population databases (rs368958527, gnomAD 0.004%). This missense change has been observed in individual(s) with Leber congenital amaurosis (PMID: 24265693). ClinVar contains an entry for this variant (Variation ID: 1047775). Invitae Evidence Modeling of protein sequence and biophysical properties (such as structural, functional, and spatial information, amino acid conservation, physicochemical variation, residue mobility, and thermodynamic stability) has been performed for this missense variant. However, the output from this modeling did not meet the statistical confidence thresholds required to predict the impact of this variant on GUCY2D protein function. In summary, the available evidence is currently insufficient to determine the role of this variant in disease. Therefore, it has been classified as a Variant of Uncertain Significance.

Blueprint Genetics
Classification: Uncertain significance. Last evaluated: 2019-08-15. Review status: criteria provided, single submitter. Criteria: ACMG Guidelines, 2015. Collection method: clinical testing. Allele origin: germline.

Literature cited by the submitters: PubMed 24265693 (cited by Labcorp Genetics (formerly Invitae), Labcorp).